The following is an entry in ClinVar:

ClinVar aggregate classification (germline): Uncertain significance (1 of 4 stars; one submission).

Submission:

Labcorp Genetics (formerly Invitae), Labcorp
Classification: Uncertain significance. Last evaluated: 2025-09-29. Review status: criteria provided, single submitter. Criteria: Invitae Variant Classification Sherloc (09022015). Collection method: clinical testing. Allele origin: germline.
Comment: This sequence change replaces valine, which is neutral and non-polar, with methionine, which is neutral and non-polar, at codon 981 of the SNRNP200 protein (p.Val981Met). This variant is present in population databases (rs774392198, gnomAD 0.003%). This variant has not been reported in the literature in individuals affected with SNRNP200-related conditions. Invitae Evidence Modeling of protein sequence and biophysical properties (such as structural, functional, and spatial information, amino acid conservation, physicochemical variation, residue mobility, and thermodynamic stability) indicates that this missense variant is not expected to disrupt SNRNP200 protein function with a negative predictive value of 95%. In summary, the available evidence is currently insufficient to determine the role of this variant in disease. Therefore, it has been classified as a Variant of Uncertain Significance.

NM_014014.5(SNRNP200):c.2941G>A (p.Val981Met)

Gene: SNRNP200 (small nuclear ribonucleoprotein U5 subunit 200; minus strand). Cytogenetic location: 2q11.2.
Variant type: single nucleotide variant.
Coding change: c.2941G>A on transcript NM_014014.5 (MANE Select); coding-DNA position 2941, G replaced by A.
Protein change: p.Val981Met; replaces valine 981 with methionine.
Molecular consequence: missense variant.
Genome position (GRCh38, 1-based): chr2:96,289,379, C>T on the plus strand (G>A on the coding strand, the complement: SNRNP200 is on the minus strand). VCF-style: chr2-96289379-C-T. GRCh37 (hg19) VCF-style: chr2-96955117-C-T.
Other names: short protein forms V981M.
Identifiers: ClinVar variation 4809427 (VCV004809427.1).